The following is an entry in ClinVar:

ClinVar aggregate classification (germline): Conflicting classifications of pathogenicity. Review status: criteria provided, conflicting classifications (1 of 4 stars). 3 submissions from 3 submitters: Uncertain significance (2); Likely benign (1). Last evaluated 2026-02-23.

Conditions:
Hereditary breast ovarian cancer syndrome. Also called: Hereditary breast and/or ovarian cancer syndrome; Hereditary breast and ovarian cancer syndrome; Breast and ovarian cancer; BRCA1- and BRCA2-Associated Hereditary Breast and Ovarian Cancer; Hereditary breast and ovarian cancer; Hereditary breast and ovarian cancer syndrome (HBOC). Identifiers: Orphanet 145, MedGen C0677776, MeSH D061325, MONDO:0003582. Disease mechanism: loss of function.
Hereditary cancer-predisposing syndrome. Also called: Hereditary Cancer Syndrome; Tumor predisposition; Neoplastic Syndromes, Hereditary; Hereditary neoplastic syndrome. Identifiers: Orphanet 140162, MedGen C0027672, MeSH D009386, MONDO:0015356.

Allele frequency attached by ClinVar (database versions not stated): TOPMed below 0.00001; gnomAD 0.00001.
gnomAD v4.1: 1 of 1,614,086 alleles (0.000062%); highest among the groups gnomAD compares: Non-Finnish European, 0.000085%; no homozygotes.

Submissions (3):

Ambry Genetics
Classification: Uncertain significance for Hereditary cancer-predisposing syndrome. Last evaluated: 2026-02-23. Review status: criteria provided, single submitter. Criteria: Ambry Variant Classification Scheme 2023. Collection method: clinical testing. Allele origin: germline.
Comment: The p.V1274L variant (also known as c.3820G>C), located in coding exon 9 of the BRCA1 gene, results from a G to C substitution at nucleotide position 3820. The valine at codon 1274 is replaced by leucine, an amino acid with highly similar properties. This amino acid position is conserved. In addition, the in silico prediction for this alteration is inconclusive. Based on the available evidence, the clinical significance of this variant remains unclear.

Labcorp Genetics (formerly Invitae), Labcorp
Classification: Uncertain significance for Hereditary breast ovarian cancer syndrome. Last evaluated: 2023-06-19. Review status: criteria provided, single submitter. Criteria: Invitae Variant Classification Sherloc (09022015). Collection method: clinical testing. Allele origin: germline.
Comment: ClinVar contains an entry for this variant (Variation ID: 861349). In summary, the available evidence is currently insufficient to determine the role of this variant in disease. Therefore, it has been classified as a Variant of Uncertain Significance. Advanced modeling of protein sequence and biophysical properties (such as structural, functional, and spatial information, amino acid conservation, physicochemical variation, residue mobility, and thermodynamic stability) performed at Invitae indicates that this missense variant is not expected to disrupt BRCA1 protein function. This variant has not been reported in the literature in individuals affected with BRCA1-related conditions. This variant is not present in population databases (gnomAD no frequency). This sequence change replaces valine, which is neutral and non-polar, with leucine, which is neutral and non-polar, at codon 1274 of the BRCA1 protein (p.Val1274Leu).

University of Washington Department of Laboratory Medicine, University of Washington
Classification: Likely benign for Hereditary cancer-predisposing syndrome. Last evaluated: 2023-03-23. Review status: criteria provided, single submitter. Criteria: Dines et al. (Genet Med. 2020). Collection method: curation. Allele origin: germline.
Comment: Missense variant in a coldspot region where missense variants are very unlikely to be pathogenic (PMID:31911673).

BRCA1 coldspot (exon 11 using historical exon numbering). Reclassification based on statistical prior probability

NM_007294.4(BRCA1):c.3820G>C (p.Val1274Leu)

Genes: BRCA1 (BRCA1 DNA repair associated; minus strand), LOC126862571 (BRD4-independent group 4 enhancer GRCh37_chr17:41243136-41244335; plus strand). Cytogenetic location: 17q21.31.
Variant type: single nucleotide variant.
Coding change: c.3820G>C on transcript NM_007294.4 (MANE Select); coding-DNA position 3820, G replaced by C.
Protein change: p.Val1274Leu; replaces valine 1274 with leucine.
Molecular consequence: missense variant. On other transcripts: intron variant (135).
Genome position (GRCh38, 1-based): chr17:43,091,711, C>G on the plus strand (G>C on the coding strand, the complement: BRCA1 is on the minus strand). VCF-style: chr17-43091711-C-G. GRCh37 (hg19) VCF-style: chr17-41243728-C-G.
Other names: c.3607G>C, p.Val1203Leu (NM_001407571.1, NM_001407853.1, NM_001407894.1 and 9 more transcripts); c.3820G>C, p.Val1274Leu (NM_001407581.1, NM_001407582.1, NM_001407602.1 and 30 more transcripts); c.3817G>C, p.Val1273Leu (NM_001407610.1, NM_001407611.1, NM_001407612.1 and 22 more transcripts); c.3811G>C, p.Val1271Leu (NM_001407646.1, NM_001407647.1); c.3697G>C, p.Val1233Leu (NM_001407648.1, NM_001407664.1, NM_001407665.1 and 19 more transcripts); c.3694G>C, p.Val1232Leu (NM_001407649.1, NM_001407670.1, NM_001407671.1 and 11 more transcripts); c.3742G>C, p.Val1248Leu (NM_001407653.1, NM_001407654.1, NM_001407655.1 and 4 more transcripts); c.3739G>C, p.Val1247Leu (NM_001407659.1, NM_001407660.1, NM_001407661.1 and 1 more transcripts); and 41 more; short protein forms V1274L, V1227L, V1163L, V1233L, V1247L, V978L, V1147L, V1203L.
Identifiers: ClinVar variation 861349 (VCV000861349.14), dbSNP rs2053517601, ClinGen allele CA10594326.